The following is an entry in ClinVar:

NM_003072.5(SMARCA4):c.1419+1G>A

Gene: SMARCA4 (SWI/SNF related BAF chromatin remodeling complex subunit ATPase 4; plus strand). Cytogenetic location: 19p13.2.
Variant type: single nucleotide variant.
Coding change: c.1419+1G>A on transcript NM_003072.5 (MANE Select); the canonical splice donor site of the intron after coding-DNA position 1419, G replaced by A.
Molecular consequence: splice donor variant.
Genome position (GRCh38, 1-based): chr19:10,991,324, G>A. VCF-style: chr19-10991324-G-A. GRCh37 (hg19) VCF-style: chr19-11102000-G-A.
Other names: c.1419+1G>A (NM_001128844.3, NM_001128849.3, NM_001128847.4 and 6 more transcripts).
Identifiers: ClinVar variation 4731545 (VCV004731545.1).
Genomic context (GRCh38, chr19:10,991,324, plus strand): 5'-GAGAAGCTGGAGAAGCAGCAGAAGATCGAGCAGGAGCGCAAGCGCCGGCAGAAGCACCAG[G>A]TACGCTCCGGTGGCCCCAAGGCCCTGCAGCCCGCCCACCTGGCTGCCTGGCTTGTCCAGC-3'

ClinVar aggregate classification (germline): Likely pathogenic (1 of 4 stars; one submission).

Conditions:
Rhabdoid tumor predisposition syndrome 2 (RTPS2). Identifiers: Orphanet 231108, Orphanet 69077, MedGen C2750074, MONDO:0013224, OMIM 613325.

Submission:

Labcorp Genetics (formerly Invitae), Labcorp
Classification: Likely pathogenic for Rhabdoid tumor predisposition syndrome 2. Last evaluated: 2025-11-19. Review status: criteria provided, single submitter. Criteria: Invitae Variant Classification Sherloc (09022015). Collection method: clinical testing. Allele origin: germline.
Comment: This sequence change affects a donor splice site in intron 8 of the SMARCA4 gene. It is expected to disrupt RNA splicing. Variants that disrupt the donor or acceptor splice site typically lead to a loss of protein function (PMID: 16199547), and loss-of-function variants in SMARCA4 are known to be pathogenic (PMID: 24658001, 24658002). This variant is not present in population databases (gnomAD no frequency). This variant has not been reported in the literature in individuals affected with SMARCA4-related conditions. Algorithms developed to predict the effect of sequence changes on RNA splicing suggest that this variant may disrupt the consensus splice site. In summary, the currently available evidence indicates that the variant is pathogenic, but additional data are needed to prove that conclusively. Therefore, this variant has been classified as Likely Pathogenic.

Literature cited by the submitters: PubMed 16199547; PubMed 24658001; PubMed 24658002.